The following is an entry in ClinVar:

NM_004415.4(DSP):c.2892G>A (p.Gln964=)

Gene: DSP (desmoplakin; plus strand). Cytogenetic location: 6p24.3.
Variant type: single nucleotide variant.
Coding change: c.2892G>A on transcript NM_004415.4 (MANE Select); coding-DNA position 2892, G replaced by A.
Protein change: p.Gln964=; no amino-acid change (glutamine 964 retained).
Molecular consequence: synonymous variant.
Genome position (GRCh38, 1-based): chr6:7,577,793, G>A. VCF-style: chr6-7577793-G-A. GRCh37 (hg19) VCF-style: chr6-7578026-G-A.
Other names: c.2892G>A, p.Gln964= (NM_001008844.3, NM_001319034.2).
Identifiers: ClinVar variation 1148924 (VCV001148924.10), dbSNP rs746675465, ClinGen allele CA036100.

ClinVar aggregate classification (germline): Likely benign. Review status: criteria provided, multiple submitters, no conflicts (2 of 4 stars). 2 submissions from 2 submitters: Likely benign (2). Last evaluated 2025-06-03.

Conditions:
Arrhythmogenic cardiomyopathy with wooly hair and keratoderma. Also called: Dilated cardiomyopathy with woolly hair and keratoderma; PALMOPLANTAR KERATODERMA WITH LEFT VENTRICULAR CARDIOMYOPATHY AND WOOLLY HAIR; Arrhythmogenic cardiomyopathy with woolly hair and keratoderma; Carvajal syndrome. Identifiers: Orphanet 65282, MedGen C1854063, MONDO:0011581, OMIM 605676.
Arrhythmogenic right ventricular dysplasia 8 (ARVD8). Also called: Arrhythmogenic Right Ventricular Dysplasia/Cardiomyopathy 8; ARRHYTHMOGENIC RIGHT VENTRICULAR DYSPLASIA, FAMILIAL, 8; ARRHYTHMOGENIC RIGHT VENTRICULAR CARDIOMYOPATHY 8. Identifiers: MedGen C1843896, MONDO:0011831, OMIM 607450.

Allele frequency attached by ClinVar (database versions not stated): gnomAD exomes below 0.00001; ExAC 0.00001.
gnomAD v4.1: 4 of 1,613,864 alleles (0.00025%); highest among the groups gnomAD compares: South Asian, 0.0022%; no homozygotes.

Submissions (2):

Labcorp Genetics (formerly Invitae), Labcorp
Classification: Likely benign for Arrhythmogenic cardiomyopathy with wooly hair and keratoderma; Arrhythmogenic right ventricular dysplasia 8. Last evaluated: 2025-06-03. Review status: criteria provided, single submitter. Criteria: Invitae Variant Classification Sherloc (09022015). Collection method: clinical testing. Allele origin: germline.

All of Us Research Program, National Institutes of Health
Classification: Likely benign for Arrhythmogenic cardiomyopathy with wooly hair and keratoderma. Last evaluated: 2024-05-14. Review status: criteria provided, single submitter. Criteria: ACMG Guidelines, 2015. Collection method: clinical testing. Allele origin: germline. Inheritance: Autosomal dominant inheritance. Observed: 1 variant allele, 1 heterozygote.
Comment: This study involves interpretation of variants in research participants for the purpose of population health screening. Participant phenotype was not available at the time of variant classification. Additional details can be found in publication PMID: 35346344, PMCID: PMC8962531